The following is an entry in ClinVar:

ClinVar aggregate classification (germline): Likely benign. Review status: criteria provided, single submitter (1 of 4 stars). 2 submissions from 2 submitters: Likely benign (1). 1 of the submissions does not count toward it. Last evaluated 2024-02-01.

Conditions:
BBS12-related disorder. Also called: BBS12-related condition.
Bardet-Biedl syndrome (BBS). Identifiers: Orphanet 110, MedGen C0752166, MONDO:0015229.

Allele frequency attached by ClinVar (database versions not stated): ExAC 0.00001; gnomAD 0.00001 and 0.00002; gnomAD exomes 0.00001; TOPMed 0.00001.
gnomAD v4.1: 15 of 1,614,106 alleles (0.00093%); highest among the groups gnomAD compares: South Asian, 0.0022%; no homozygotes.

Submissions (2):

Labcorp Genetics (formerly Invitae), Labcorp
Classification: Likely benign for Bardet-Biedl syndrome. Last evaluated: 2024-02-01. Review status: criteria provided, single submitter. Criteria: Invitae Variant Classification Sherloc (09022015). Collection method: clinical testing. Allele origin: germline.

PreventionGenetics, part of Exact Sciences
Classification: Likely benign for BBS12-related condition. Last evaluated: 2023-06-22. Review status: no assertion criteria provided. Collection method: clinical testing. Allele origin: germline. Not counted in ClinVar's aggregate classification.
Comment: This variant is classified as likely benign based on ACMG/AMP sequence variant interpretation guidelines (Richards et al. 2015 PMID: 25741868, with internal and published modifications).

NM_152618.3(BBS12):c.1011T>C (p.Val337=)

Gene: BBS12 (Bardet-Biedl syndrome 12; plus strand). Cytogenetic location: 4q27.
Variant type: single nucleotide variant.
Coding change: c.1011T>C on transcript NM_152618.3 (MANE Select); coding-DNA position 1011, T replaced by C.
Protein change: p.Val337=; no amino-acid change (valine 337 retained).
Molecular consequence: synonymous variant.
Genome position (GRCh38, 1-based): chr4:122,742,903, T>C. VCF-style: chr4-122742903-T-C. GRCh37 (hg19) VCF-style: chr4-123664058-T-C.
Other names: c.1011T>C, p.Val337= (NM_001178007.2).
Identifiers: ClinVar variation 702833 (VCV000702833.11), dbSNP rs762298486, ClinGen allele CA3069359.